The following is an entry in ClinVar:

NM_194248.3(OTOF):c.3727A>G (p.Thr1243Ala)

Gene: OTOF (otoferlin; minus strand). Cytogenetic location: 2p23.3.
Variant type: single nucleotide variant.
Coding change: c.3727A>G on transcript NM_194248.3 (MANE Select); coding-DNA position 3727, A replaced by G.
Protein change: p.Thr1243Ala; replaces threonine 1243 with alanine.
Molecular consequence: missense variant.
Genome position (GRCh38, 1-based): chr2:26,473,138, T>C on the plus strand (A>G on the coding strand, the complement: OTOF is on the minus strand). VCF-style: chr2-26473138-T-C. GRCh37 (hg19) VCF-style: chr2-26696006-T-C.
Other names: c.3727A>G, p.Thr1243Ala (NM_001287489.2); c.1486A>G, p.Thr496Ala (NM_004802.4, NM_194323.3); c.1657A>G, p.Thr553Ala (NM_194322.3); short protein forms T553A, T1243A, T496A.
Identifiers: ClinVar variation 1918859 (VCV001918859.2), dbSNP rs1319705634, ClinGen allele CA346102962.

ClinVar aggregate classification (germline): Uncertain significance (1 of 4 stars; one submission).

Allele frequency attached by ClinVar (database versions not stated): gnomAD exomes below 0.00001; TOPMed below 0.00001; gnomAD 0.00001.
gnomAD v4.1: 5 of 1,611,870 alleles (0.00031%); highest among the groups gnomAD compares: Non-Finnish European, 0.00042%; no homozygotes.

Submission:

Labcorp Genetics (formerly Invitae), Labcorp
Classification: Uncertain significance. Last evaluated: 2021-12-24. Review status: criteria provided, single submitter. Criteria: Invitae Variant Classification Sherloc (09022015). Collection method: clinical testing. Allele origin: germline.
Comment: This sequence change replaces threonine, which is neutral and polar, with alanine, which is neutral and non-polar, at codon 1243 of the OTOF protein (p.Thr1243Ala). This variant is not present in population databases (gnomAD no frequency). This variant has not been reported in the literature in individuals affected with OTOF-related conditions. Algorithms developed to predict the effect of missense changes on protein structure and function output the following: SIFT: "Tolerated"; PolyPhen-2: "Benign"; Align-GVGD: "Class C0". The alanine amino acid residue is found in multiple mammalian species, which suggests that this missense change does not adversely affect protein function. In summary, the available evidence is currently insufficient to determine the role of this variant in disease. Therefore, it has been classified as a Variant of Uncertain Significance.